The following is an entry in ClinVar:

ClinVar aggregate classification (germline): Uncertain significance (1 of 4 stars; one submission).

Submission:

Dasa
Classification: Uncertain significance. Last evaluated: 2024-12-10. Review status: criteria provided, single submitter. Criteria: DASA Assertion Criteria. Collection method: clinical testing. Allele origin: germline.
Comment: NM_003482.4(KMT2D):c.6803C>T (p.Ala2268Val) is a missense variant that results in the substitution of alanine with valine. This variant is absent from population databases. Computational prediction algorithms are consistent with a benign effect. The currently available literature and clinical evidence are not sufficient to establish a definitive association between this variant and the reported condition. Therefore, this variant is classified as a variant of uncertain significance.

NM_003482.4(KMT2D):c.6803C>T (p.Ala2268Val)

Gene: KMT2D (lysine methyltransferase 2D; minus strand). Cytogenetic location: 12q13.12.
Variant type: single nucleotide variant.
Coding change: c.6803C>T on transcript NM_003482.4 (MANE Select); coding-DNA position 6803, C replaced by T.
Protein change: p.Ala2268Val; replaces alanine 2268 with valine.
Molecular consequence: missense variant.
Genome position (GRCh38, 1-based): chr12:49,040,967, G>A on the plus strand (C>T on the coding strand, the complement: KMT2D is on the minus strand). VCF-style: chr12-49040967-G-A. GRCh37 (hg19) VCF-style: chr12-49434750-G-A.
Other names: short protein forms A2268V.
Identifiers: ClinVar variation 4885735 (VCV004885735.2).